The following is an entry in ClinVar:

ClinVar aggregate classification (germline): Uncertain significance (1 of 4 stars; one submission).

Conditions:
Congenital multicore myopathy with external ophthalmoplegia (CMYO1B). Also called: MULTIMINICORE DISEASE WITH EXTERNAL OPHTHALMOPLEGIA; Minicore myopathy with external ophthalmoplegia; Congenital myopathy 1B, autosomal recessive; Minicore myopathy; MULTICORE MYOPATHY. Identifiers: Orphanet 598, Orphanet 98905, MedGen C1850674, MONDO:0009712, OMIM 255320, HP:0003789.
Central core myopathy (CMYO1A). Also called: CONGENITAL MYOPATHY 1A, AUTOSOMAL DOMINANT, WITH SUSCEPTIBILITY TO MALIGNANT HYPERTHERMIA; Central core disease; Myopathy, central fibrillar. Identifiers: Orphanet 597, MedGen C5830701, MONDO:0007294, OMIM 117000.
King Denborough syndrome (KDS). Identifiers: MedGen C1840365, MONDO:0020485, OMIM 619542.
Malignant hyperthermia, susceptibility to, 1 (MHS1). Also called: Malignant hyperthermia suceptibility 1; Anesthesia related hyperthermia; Malignant hyperpyrexia; Fulminating hyperpyrexia; Pharmacogenic myopathy; RYR1-Related Malignant Hyperthermia Susceptibility. Identifiers: Orphanet 423, MedGen C2930980, MONDO:0007783, OMIM 145600.

Submission:

Juno Genomics, Hangzhou Juno Genomics, Inc
Classification: Uncertain significance for Central core myopathy; Congenital multicore myopathy with external ophthalmoplegia; Malignant hyperthermia, susceptibility to, 1; King Denborough syndrome. Review status: criteria provided, single submitter. Criteria: ACMG Guidelines, 2015. Collection method: clinical testing. Allele origin: germline.
Comment: Absent from controls (or at extremely low frequency if recessive) in Genome Aggregation Database.;Novel missense change at an amino acid residue where a different missense change determined to be pathogenic has been seen before.;Multiple lines of computational evidence support a deleterious effect on the gene or gene product.;Missense variant in a gene that has a low rate of benign missense variation.

NM_000540.3(RYR1):c.7060G>T (p.Val2354Leu)

Gene: RYR1 (ryanodine receptor 1; plus strand). Cytogenetic location: 19q13.2.
Variant type: single nucleotide variant.
Coding change: c.7060G>T on transcript NM_000540.3 (MANE Select); coding-DNA position 7060, G replaced by T.
Protein change: p.Val2354Leu; replaces valine 2354 with leucine.
Molecular consequence: missense variant.
Genome position (GRCh38, 1-based): chr19:38,499,667, G>T. VCF-style: chr19-38499667-G-T. GRCh37 (hg19) VCF-style: chr19-38990307-G-T.
Other names: c.7060G>T, p.Val2354Leu (NM_001042723.2); short protein forms V2354L.
Identifiers: ClinVar variation 5005980 (VCV005005980.2).